The following is an entry in ClinVar:

ClinVar aggregate classification (germline): Uncertain significance (1 of 4 stars; one submission).

Submission:

Women's Health and Genetics/Laboratory Corporation of America, LabCorp
Classification: Uncertain significance. Last evaluated: 2025-07-08. Review status: criteria provided, single submitter. Criteria: LabCorp Variant Classification Summary - May 2015. Collection method: clinical testing. Allele origin: germline.
Comment: Variant summary: ADA c.844C>G (p.Arg282Gly) results in a non-conservative amino acid change in the encoded protein sequence. Algorithms developed to predict the effect of missense changes on protein structure and function all suggest that this variant is likely to be disruptive. Several computational tools predict a significant impact on normal splicing: One predict the variant no significant impact on splicing. Three predict the variant weakens a 5' donor site. However, these predictions have yet to be confirmed by functional studies. The variant was absent in 251344 control chromosomes. To our knowledge, no occurrence of c.844C>G in individuals affected with Severe combined immunodeficiency, autosomal recessive, T cell-negative, B cell-negative, NK cell-negative, due to adenosine deaminase deficiency and no experimental evidence demonstrating its impact on protein function have been reported. Other missense variants (p.Arg282Gln, p.Arg282Leu) in the same residue have been clasified on the pathogenic spectrum in our lab, supporting the functional importance of this residue of the protein. No submitters have cited clinical-significance assessments for this variant to ClinVar. Based on the evidence outlined above, the variant was classified as VUS-possibly pathogenic.

NM_000022.4(ADA):c.844C>G (p.Arg282Gly)

Gene: ADA (adenosine deaminase; minus strand). Cytogenetic location: 20q13.12.
Variant type: single nucleotide variant.
Coding change: c.844C>G on transcript NM_000022.4 (MANE Select); coding-DNA position 844, C replaced by G.
Protein change: p.Arg282Gly; replaces arginine 282 with glycine.
Molecular consequence: missense variant.
Genome position (GRCh38, 1-based): chr20:44,622,589, G>C on the plus strand (C>G on the coding strand, the complement: ADA is on the minus strand). VCF-style: chr20-44622589-G-C. GRCh37 (hg19) VCF-style: chr20-43251230-G-C.
Other names: c.439C>G, p.Arg147Gly (NM_001322050.2); c.772C>G, p.Arg258Gly (NM_001322051.2); short protein forms R258G, R282G, R147G.
Identifiers: ClinVar variation 4526078 (VCV004526078.1).